The following is an entry in ClinVar:

NM_014297.5(ETHE1):c.712+88G>A

Gene: ETHE1 (ETHE1 persulfide dioxygenase; minus strand). Cytogenetic location: 19q13.31.
Variant type: single nucleotide variant.
Coding change: c.712+88G>A on transcript NM_014297.5 (MANE Select); 88 bases into the intron after coding-DNA position 712, G replaced by A.
Molecular consequence: intron variant.
Genome position (GRCh38, 1-based): chr19:43,507,856, C>T on the plus strand (G>A on the coding strand, the complement: ETHE1 is on the minus strand). VCF-style: chr19-43507856-C-T. GRCh37 (hg19) VCF-style: chr19-44012008-C-T.
Other names: c.418+88G>A (NM_001320869.2); c.343+88G>A (NM_001320868.2); c.679+88G>A (NM_001320867.2).
Identifiers: ClinVar variation 673475 (VCV000673475.3), dbSNP rs150923593, ClinGen allele CA9487766.

ClinVar aggregate classification (germline): Benign. Review status: reviewed by expert panel (3 of 4 stars). 3 submissions from 3 submitters: Benign (1). 2 of the submissions do not count toward it. Last evaluated 2020-08-18.

Conditions:
Ethylmalonic encephalopathy (EE). Also called: Syndrome of encephalopathy, petechiae, and ethylmalonic aciduria; EPEMA syndrome; Encephalopathy, petechiae, and ethylmalonic aciduria. Identifiers: Orphanet 51188, MedGen C1865349, MONDO:0011229, OMIM 602473. Disease mechanism: loss of function.

Allele frequency attached by ClinVar (database versions not stated): gnomAD 0.01545 and 0.01665; ExAC 0.11456; 1000 Genomes Project 0.13878.

Submissions (3):

ClinGen Mitochondrial Disease Nuclear and Mitochondrial  Variant Curation Expert Panel, ClinGen
Classification: Benign for Ethylmalonic encephalopathy. Last evaluated: 2020-08-18. Review status: reviewed by expert panel. Criteria: clingen mito disease acmg specifications v1-1. Collection method: curation. Allele origin: germline. Inheritance: Autosomal recessive inheritance.
Comment: The filtering allele frequency of the c.712+88 G>A variant in the ETHE1 gene is >35% by the Exome Aggregation Consortium, which is a high enough frequency to be classified as benign based on thresholds defined by the ClinGen Mito Variant Curation Expert Panel (BA1)

GeneDx
Classification: Likely benign. Last evaluated: 2018-06-14. Review status: criteria provided, single submitter. Criteria: GeneDx Variant Classification (06012015). Collection method: clinical testing. Allele origin: germline. Affected: yes. Not counted in ClinVar's aggregate classification.
Comment: This variant is considered likely benign or benign based on one or more of the following criteria: it is a conservative change, it occurs at a poorly conserved position in the protein, it is predicted to be benign by multiple in silico algorithms, and/or has population frequency not consistent with disease.

Breakthrough Genomics
Classification: Benign. Review status: criteria provided, single submitter. Criteria: ACMG Guidelines, 2015. Collection method: not provided. Allele origin: germline. Inheritance: Autosomal recessive inheritance. Affected: yes. Not counted in ClinVar's aggregate classification.